The following is an entry in ClinVar:

NM_023036.6(DNAI2):c.1173del (p.Trp391fs)

Gene: DNAI2 (dynein axonemal intermediate chain 2; plus strand). Cytogenetic location: 17q25.1.
Variant type: Deletion.
Coding change: c.1173del on transcript NM_023036.6 (MANE Select); coding-DNA position 1173, one base deleted (G; older notation c.1173delG).
Protein change: p.Trp391fs; shifts the reading frame from tryptophan 391.
Molecular consequence: frameshift variant. On other transcripts: non-coding transcript variant (1).
Genome position (GRCh38, 1-based): chr17:74,305,404, G deleted; the last of 2 consecutive G bases (chr17:74,305,403-74,305,404); deleting either gives the same sequence. VCF-style (leftmost placement, unchanged base first): chr17-74305402-TG-T. GRCh37 (hg19) VCF-style: chr17-72301541-TG-T.
Other names: c.1173del, p.Trp391fs (NM_001172810.3, NM_001353167.2); short protein forms W391fs.
Identifiers: ClinVar variation 5015414 (VCV005015414.1).
Genomic context (GRCh38, chr17:74,305,402, plus strand): 5'-CAGAGAAACCCCTTCTACCCGAAGAACTTCCTGACGGTTGGCGACTGGACAGCCCGCATT[TG>T]GTCTGAAGACAGCCGGGAATCGTCCATCATGTGGACCAAGTAAGAGGCGATGCTGGGGAC-3'

ClinVar aggregate classification (germline): Pathogenic (1 of 4 stars; one submission).

Conditions:
Primary ciliary dyskinesia 9. Also called: CILIARY DYSKINESIA, PRIMARY, 9, WITH OR WITHOUT SITUS INVERSUS. Identifiers: Orphanet 244, MedGen C2676235, MONDO:0012906, OMIM 612444.

Submission:

Myriad Genetics, Inc.
Classification: Pathogenic for Primary ciliary dyskinesia 9. Last evaluated: 2026-01-14. Review status: criteria provided, single submitter. Criteria: Myriad Autosomal Dominant, Autosomal Recessive and X-Linked Classification Criteria (2023). Collection method: clinical testing. Allele origin: unknown.
Comment: NM_023036.4(DNAI2):c.1173delG(W391Cfs*28) is expected to be pathogenic in the context of primary ciliary dyskinesia, DNAI2-related. This variant is predicted to lead to an abnormal or absent protein product due to the creation of a premature termination codon in DNAI2, a gene where loss-of-function variants are known to be pathogenic. Please note: this variant was assessed in the context of healthy population screening.